The following is an entry in ClinVar:

ClinVar aggregate classification (germline): Uncertain significance (1 of 4 stars; one submission).

Submission:

Labcorp Genetics (formerly Invitae), Labcorp
Classification: Uncertain significance. Last evaluated: 2025-04-09. Review status: criteria provided, single submitter. Criteria: Invitae Variant Classification Sherloc (09022015). Collection method: clinical testing. Allele origin: germline.
Comment: This sequence change replaces proline, which is neutral and non-polar, with arginine, which is basic and polar, at codon 202 of the FGF12 protein (p.Pro202Arg). This variant is present in population databases (no rsID available, gnomAD 0.01%). This variant has not been reported in the literature in individuals affected with FGF12-related conditions. Invitae Evidence Modeling of protein sequence and biophysical properties (such as structural, functional, and spatial information, amino acid conservation, physicochemical variation, residue mobility, and thermodynamic stability) indicates that this missense variant is not expected to disrupt FGF12 protein function with a negative predictive value of 80%. In summary, the available evidence is currently insufficient to determine the role of this variant in disease. Therefore, it has been classified as a Variant of Uncertain Significance.

NM_004113.6(FGF12):c.419C>G (p.Pro140Arg)

Gene: FGF12 (fibroblast growth factor 12; minus strand). Cytogenetic location: 3q28.
Variant type: single nucleotide variant.
Coding change: c.419C>G on transcript NM_004113.6 (MANE Select); coding-DNA position 419, C replaced by G.
Protein change: p.Pro140Arg; replaces proline 140 with arginine.
Molecular consequence: missense variant.
Genome position (GRCh38, 1-based): chr3:192,170,466, G>C on the plus strand (C>G on the coding strand, the complement: FGF12 is on the minus strand). VCF-style: chr3-192170466-G-C. GRCh37 (hg19) VCF-style: chr3-191888255-G-C.
Other names: c.308C>G, p.Pro103Arg (NM_001377292.1); c.347C>G, p.Pro116Arg (NM_001377293.1, NM_001377294.1); c.605C>G, p.Pro202Arg (NM_021032.5); short protein forms P103R, P116R, P140R, P202R.
Identifiers: ClinVar variation 4742070 (VCV004742070.1).